The following is an entry in ClinVar:

NM_001378452.1(ITPR1):c.4595A>G (p.Asn1532Ser)

Gene: ITPR1 (inositol 1,4,5-trisphosphate receptor type 1; plus strand). Cytogenetic location: 3p26.1.
Variant type: single nucleotide variant.
Coding change: c.4595A>G on transcript NM_001378452.1 (MANE Select); coding-DNA position 4595, A replaced by G.
Protein change: p.Asn1532Ser; replaces asparagine 1532 with serine.
Molecular consequence: missense variant.
Genome position (GRCh38, 1-based): chr3:4,702,888, A>G. VCF-style: chr3-4702888-A-G. GRCh37 (hg19) VCF-style: chr3-4744572-A-G.
Other names: c.4568A>G, p.Asn1523Ser (NM_001099952.4); c.4550A>G, p.Asn1517Ser (NM_001168272.2); c.4523A>G, p.Asn1508Ser (NM_002222.7); short protein forms N1517S, N1532S, N1523S, N1508S.
Identifiers: ClinVar variation 1945299 (VCV001945299.5), dbSNP rs2469854644, ClinGen allele CA351634076.

ClinVar aggregate classification (germline): Uncertain significance (1 of 4 stars; one submission).

Allele frequency attached by ClinVar (database versions not stated): gnomAD exomes below 0.00001.
gnomAD v4.1: 1 of 1,613,978 alleles (0.000062%); highest among the groups gnomAD compares: Non-Finnish European, 0.000085%; no homozygotes.

Submission:

Labcorp Genetics (formerly Invitae), Labcorp
Classification: Uncertain significance. Last evaluated: 2022-08-22. Review status: criteria provided, single submitter. Criteria: Invitae Variant Classification Sherloc (09022015). Collection method: clinical testing. Allele origin: germline.
Comment: Algorithms developed to predict the effect of missense changes on protein structure and function (SIFT, PolyPhen-2, Align-GVGD) all suggest that this variant is likely to be tolerated. This variant has not been reported in the literature in individuals affected with ITPR1-related conditions. This variant is not present in population databases (gnomAD no frequency). This sequence change replaces asparagine, which is neutral and polar, with serine, which is neutral and polar, at codon 1508 of the ITPR1 protein (p.Asn1508Ser). In summary, the available evidence is currently insufficient to determine the role of this variant in disease. Therefore, it has been classified as a Variant of Uncertain Significance.